The following is an entry in ClinVar:

NM_006158.5(NEFL):c.553C>T (p.Arg185Cys)

Gene: NEFL (neurofilament light chain; minus strand). Cytogenetic location: 8p21.2.
Variant type: single nucleotide variant.
Coding change: c.553C>T on transcript NM_006158.5 (MANE Select); coding-DNA position 553, C replaced by T.
Protein change: p.Arg185Cys; replaces arginine 185 with cysteine.
Molecular consequence: missense variant.
Genome position (GRCh38, 1-based): chr8:24,955,963, G>A on the plus strand (C>T on the coding strand, the complement: NEFL is on the minus strand). VCF-style: chr8-24955963-G-A. GRCh37 (hg19) VCF-style: chr8-24813477-G-A.
Other names: short protein forms R185C.
Identifiers: ClinVar variation 4804391 (VCV004804391.1).

ClinVar aggregate classification (germline): Uncertain significance (1 of 4 stars; one submission).

Conditions:
Charcot-Marie-Tooth disease type 2E (CMT2E). Also called: CHARCOT-MARIE-TOOTH DISEASE, AXONAL, TYPE 2E; CHARCOT-MARIE-TOOTH NEUROPATHY, TYPE 2E. Identifiers: Orphanet 99939, MedGen C1843225, MONDO:0011894, OMIM 607684.

Submission:

Labcorp Genetics (formerly Invitae), Labcorp
Classification: Uncertain significance for Charcot-Marie-Tooth disease type 2E. Last evaluated: 2025-10-02. Review status: criteria provided, single submitter. Criteria: Invitae Variant Classification Sherloc (09022015). Collection method: clinical testing. Allele origin: germline.
Comment: This sequence change replaces arginine, which is basic and polar, with cysteine, which is neutral and slightly polar, at codon 185 of the NEFL protein (p.Arg185Cys). This variant is not present in population databases (gnomAD no frequency). This variant has not been reported in the literature in individuals affected with NEFL-related conditions. Invitae Evidence Modeling of protein sequence and biophysical properties (such as structural, functional, and spatial information, amino acid conservation, physicochemical variation, residue mobility, and thermodynamic stability) indicates that this missense variant is expected to disrupt NEFL protein function with a positive predictive value of 80%. In summary, the available evidence is currently insufficient to determine the role of this variant in disease. Therefore, it has been classified as a Variant of Uncertain Significance.